The following is an entry in ClinVar:

NM_000548.5(TSC2):c.5254C>T (p.Gln1752Ter)

Gene: TSC2 (TSC complex subunit 2; plus strand). Cytogenetic location: 16p13.3.
Variant type: single nucleotide variant.
Coding change: c.5254C>T on transcript NM_000548.5 (MANE Select); coding-DNA position 5254, C replaced by T.
Protein change: p.Gln1752Ter; replaces glutamine 1752 with a stop codon.
Molecular consequence: nonsense.
Genome position (GRCh38, 1-based): chr16:2,088,320, C>T. VCF-style: chr16-2088320-C-T. GRCh37 (hg19) VCF-style: chr16-2138321-C-T.
Other names: c.5053C>T, p.Gln1685Ter (NM_001077183.3); c.5185C>T, p.Gln1729Ter (NM_001114382.3); c.4945C>T, p.Gln1649Ter (NM_001318827.2); c.4909C>T, p.Gln1637Ter (NM_001318829.2); c.4522C>T, p.Gln1508Ter (NM_001318831.2); c.5086C>T, p.Gln1696Ter (NM_001318832.2); c.5056C>T, p.Gln1686Ter (NM_001363528.2); c.5122C>T, p.Gln1708Ter (NM_001370404.1); and 2 more; short protein forms Q1752*, Q1637*, Q1685*, Q1508*, Q1686*, Q1729*, Q1649*, Q1708*.
Identifiers: ClinVar variation 49367 (VCV000049367.17), dbSNP rs45517414, ClinGen allele CA022307.

ClinVar aggregate classification (germline): Conflicting classifications of pathogenicity. Review status: criteria provided, conflicting classifications (1 of 4 stars). 8 submissions from 8 submitters: Pathogenic (4); Likely pathogenic (2); Uncertain significance (1). 1 of the submissions does not count toward it. Last evaluated 2025-12-18.

Conditions:
Lymphangiomyomatosis (LAM). Also called: Lymphangioleiomyomatosis; Lymphangioleiomyomatosis, somatic. Identifiers: Orphanet 538, MedGen C0751674, MONDO:0011705, OMIM 606690.
Tuberous sclerosis 2 (TSC2). Identifiers: Orphanet 805, MedGen C1860707, MONDO:0013199, OMIM 613254.
Isolated focal cortical dysplasia type II (FCORD2). Also called: CORTICAL DYSPLASIA OF TAYLOR; Focal cortical dysplasia type II. Identifiers: Orphanet 268994, MedGen C1846385, MONDO:0011818, OMIM 607341, HP:0032051.
Hereditary cancer-predisposing syndrome. Also called: Neoplastic Syndromes, Hereditary; Tumor predisposition; Hereditary Cancer Syndrome; Hereditary neoplastic syndrome. Identifiers: Orphanet 140162, MedGen C0027672, MeSH D009386, MONDO:0015356.
Tuberous sclerosis syndrome (TSC). Also called: Tuberous Sclerosis Complex; Tuberous sclerosis. Identifiers: Orphanet 805, MedGen C0041341, MONDO:0001734.

Submissions (8):

Myriad Genetics, Inc.
Classification: Pathogenic for Tuberous sclerosis 2. Last evaluated: 2025-12-18. Review status: criteria provided, single submitter. Criteria: Myriad Autosomal Dominant, Autosomal Recessive and X-Linked Classification Criteria (2023). Collection method: clinical testing. Allele origin: unknown.
Comment: This variant is considered pathogenic. This variant creates a termination codon and is predicted to result in premature protein truncation.

Ambry Genetics
Classification: Pathogenic for Hereditary cancer-predisposing syndrome. Last evaluated: 2025-03-05. Review status: criteria provided, single submitter. Criteria: Ambry Variant Classification Scheme 2023. Collection method: clinical testing. Allele origin: germline.
Comment: The p.Q1752* pathogenic mutation (also known as c.5254C>T), located in coding exon 40 of the TSC2 gene, results from a C to T substitution at nucleotide position 5254. This changes the amino acid from a glutamine to a stop codon within coding exon 40. This alteration occurs at the 3' terminus of theTSC2 gene, is not expected to trigger nonsense-mediated mRNA decay, and impacts the last 3% of the protein. However, premature stop codons are typically deleterious in nature. This variant was reported in individual(s) with features consistent with Tuberous sclerosis complex (Au KS et al. Genet Med, 2007 Feb;9:88-100; Luo C et al. Orphanet J Rare Dis, 2022 Jul;17:288). This variant is considered to be rare based on population cohorts in the Genome Aggregation Database (gnomAD). Based on the supporting evidence, this variant is interpreted as a disease-causing mutation.

Department of Pathology and Laboratory Medicine, Sinai Health System
Classification: Pathogenic for Lymphangiomyomatosis; Isolated focal cortical dysplasia type II; Tuberous sclerosis 2. Last evaluated: 2024-07-30. Review status: criteria provided, single submitter. Criteria: ACMG Guidelines, 2015. Collection method: clinical testing. Allele origin: germline.

Labcorp Genetics (formerly Invitae), Labcorp
Classification: Uncertain significance for Tuberous sclerosis 2. Last evaluated: 2023-11-06. Review status: criteria provided, single submitter. Criteria: Invitae Variant Classification Sherloc (09022015). Collection method: clinical testing. Allele origin: germline.
Comment: This sequence change creates a premature translational stop signal (p.Gln1752*) in the TSC2 gene. While this is not anticipated to result in nonsense mediated decay, it is expected to disrupt the last 56 amino acid(s) of the TSC2 protein. This variant is not present in population databases (gnomAD no frequency). This variant has not been reported in the literature in individuals affected with TSC2-related conditions. ClinVar contains an entry for this variant (Variation ID: 49367). Experimental studies and prediction algorithms are not available or were not evaluated, and the functional significance of this variant is currently unknown. In summary, the available evidence is currently insufficient to determine the role of this variant in disease. Therefore, it has been classified as a Variant of Uncertain Significance.

Genome-Nilou Lab
Classification: Likely pathogenic for Tuberous sclerosis 2. Last evaluated: 2021-11-07. Review status: criteria provided, single submitter. Criteria: ACMG Guidelines, 2015. Collection method: clinical testing. Allele origin: germline. Affected: no.

GeneDx
Classification: Likely pathogenic. Last evaluated: 2021-07-15. Review status: criteria provided, single submitter. Criteria: GeneDx Variant Classification Process June 2021. Collection method: clinical testing. Allele origin: germline. Affected: yes.
Comment: Nonsense variant in the C-terminus predicted to result in protein truncation, as the last 56 amino acids are lost, and other loss-of-function variants have been reported downstream in the Human Gene Mutation Database (Stenson et al., 2014); Not observed at significant frequency in large population cohorts (Lek et al., 2016); This variant is associated with the following publications: (PMID: 17304050, 27535533)

Athena Diagnostics
Classification: Pathogenic. Last evaluated: 2016-12-20. Review status: criteria provided, single submitter. Criteria: Athena Diagnostics Criteria. Collection method: clinical testing. Allele origin: germline.

Tuberous sclerosis database (TSC2)
No classification provided. Condition: TSC. Review status: no classification provided. Criteria: Tuberous Sclerosis Database Assertion Criteria 2015. Collection method: curation. Allele origin: germline. Affected: yes. Not counted in ClinVar's aggregate classification.

Literature cited by the submitters: PubMed 17304050 (cited by 3 submitters); PubMed 35870981 (cited by Ambry Genetics).